The following is an entry in ClinVar:

ClinVar aggregate classification (germline): Uncertain significance (1 of 4 stars; one submission).

Conditions:
ARID1B-Related Disorder. Identifiers: MedGen CN381337.

gnomAD v4.1: 3 of 1,614,110 alleles (0.00019%); highest among the groups gnomAD compares: Non-Finnish European, 0.00025%; no homozygotes.

Submission:

PreventionGenetics, part of Exact Sciences
Classification: Uncertain significance for ARID1B-related condition. Last evaluated: 2025-06-20. Review status: criteria provided, single submitter. Criteria: ACMG Guidelines, 2015. Collection method: clinical testing. Allele origin: germline.
Comment: The ARID1B c.4405A>C variant is predicted to result in the amino acid substitution p.Asn1469His. To our knowledge, this variant has not been reported in the literature or in a large population database, indicating this variant is rare. At this time, the clinical significance of this variant is uncertain due to the absence of conclusive functional and genetic evidence.

NM_001374828.1(ARID1B):c.4774A>C (p.Asn1592His)

Gene: ARID1B (AT-rich interaction domain 1B; plus strand). Cytogenetic location: 6q25.3.
Variant type: single nucleotide variant.
Coding change: c.4774A>C on transcript NM_001374828.1 (MANE Select); coding-DNA position 4774, A replaced by C.
Protein change: p.Asn1592His; replaces asparagine 1592 with histidine.
Molecular consequence: missense variant.
Genome position (GRCh38, 1-based): chr6:157,200,999, A>C. VCF-style: chr6-157200999-A-C. GRCh37 (hg19) VCF-style: chr6-157522133-A-C.
Other names: c.2275A>C, p.Asn759His (NM_001363725.2); c.4654A>C, p.Asn1552His (NM_001371656.1, NM_001374820.1); c.4615A>C, p.Asn1539His (NM_017519.3); c.4405A>C (NM_020732.3); short protein forms N1539H, N1552H, N1592H, N759H.
Identifiers: ClinVar variation 3349537 (VCV003349537.2).